The following is an entry in ClinVar:

ClinVar aggregate classification (germline): Benign. Review status: criteria provided, multiple submitters, no conflicts (2 of 4 stars). 3 submissions from 3 submitters: Benign (2). 1 of the submissions does not count toward it. Last evaluated 2019-12-31.

Conditions:
EP400-related disorder. Also called: EP400-related condition.

Allele frequency attached by ClinVar (database versions not stated): ExAC 0.00841; 1000 Genomes Project 0.00240; 1000 Genomes Project 30x 0.00265; TOPMed 0.00579; gnomAD 0.00728 and 0.00749; gnomAD exomes 0.00772; ESP Exome Variant Server 0.00807.
gnomAD v4.1: 14,108 of 1,602,240 alleles (0.88%); highest among the groups gnomAD compares: Non-Finnish European, 1%; 82 homozygotes.

Submissions (3):

Labcorp Genetics (formerly Invitae), Labcorp
Classification: Benign. Last evaluated: 2019-12-31. Review status: criteria provided, single submitter. Criteria: Invitae Variant Classification Sherloc (09022015). Collection method: clinical testing. Allele origin: germline.

Breakthrough Genomics
Classification: Benign. Review status: criteria provided, single submitter. Criteria: ACMG Guidelines, 2015. Collection method: not provided. Allele origin: germline. Inheritance: Unknown mechanism. Affected: yes.

PreventionGenetics, part of Exact Sciences
Classification: Benign for EP400-related condition. Last evaluated: 2019-06-11. Review status: no assertion criteria provided. Collection method: clinical testing. Allele origin: germline. Not counted in ClinVar's aggregate classification.
Comment: This variant is classified as benign based on ACMG/AMP sequence variant interpretation guidelines (Richards et al. 2015 PMID: 25741868, with internal and published modifications).

NM_015409.5(EP400):c.4323C>T (p.Thr1441=)

Gene: EP400 (E1A binding protein p400; plus strand). Cytogenetic location: 12q24.33.
Variant type: single nucleotide variant.
Coding change: c.4323C>T on transcript NM_015409.5 (MANE Select); coding-DNA position 4323, C replaced by T.
Protein change: p.Thr1441=; no amino-acid change (threonine 1441 retained).
Molecular consequence: synonymous variant.
Genome position (GRCh38, 1-based): chr12:132,020,094, C>T. VCF-style: chr12-132020094-C-T. GRCh37 (hg19) VCF-style: chr12-132504639-C-T.
Identifiers: ClinVar variation 770779 (VCV000770779.7), dbSNP rs147615479, ClinGen allele CA6885669.